The following is an entry in ClinVar:

ClinVar aggregate classification (germline): Likely pathogenic (1 of 4 stars; one submission).

Allele frequency attached by ClinVar (database versions not stated): gnomAD exomes below 0.00001.
gnomAD v4.1: 1 of 1,612,342 alleles (0.000062%); highest among the groups gnomAD compares: Non-Finnish European, 0.000085%; no homozygotes.

Submission:

Labcorp Genetics (formerly Invitae), Labcorp
Classification: Likely pathogenic. Last evaluated: 2023-06-15. Review status: criteria provided, single submitter. Criteria: Invitae Variant Classification Sherloc (09022015). Collection method: clinical testing. Allele origin: germline.
Comment: ClinVar contains an entry for this variant (Variation ID: 1493450). Algorithms developed to predict the effect of sequence changes on RNA splicing suggest that this variant may disrupt the consensus splice site. In summary, the currently available evidence indicates that the variant is pathogenic, but additional data are needed to prove that conclusively. Therefore, this variant has been classified as Likely Pathogenic. This sequence change affects a donor splice site in intron 12 of the AGBL5 gene. It is expected to disrupt RNA splicing. Variants that disrupt the donor or acceptor splice site typically lead to a loss of protein function (PMID: 16199547), and loss-of-function variants in AGBL5 are known to be pathogenic (PMID: 27764769, 27842159). This variant is not present in population databases (gnomAD no frequency). This variant has not been reported in the literature in individuals affected with AGBL5-related conditions.

Literature cited by the submitters: PubMed 16199547; PubMed 27764769; PubMed 27842159.

NM_021831.6(AGBL5):c.2242+2T>G

Gene: AGBL5 (AGBL carboxypeptidase 5; plus strand). Cytogenetic location: 2p23.3.
Variant type: single nucleotide variant.
Coding change: c.2242+2T>G on transcript NM_021831.6 (MANE Select); the canonical splice donor site of the intron after coding-DNA position 2242, T replaced by G.
Molecular consequence: splice donor variant.
Genome position (GRCh38, 1-based): chr2:27,067,648, T>G. VCF-style: chr2-27067648-T-G. GRCh37 (hg19) VCF-style: chr2-27290516-T-G.
Identifiers: ClinVar variation 1493450 (VCV001493450.6), dbSNP rs746563151, ClinGen allele CA346140980.
Genomic context (GRCh38, chr2:27,067,648, plus strand): 5'-CCCAGCCTCCTCACACAAGCTGGGCTCCTGTCTACTGCCTGATTCATTCAACATACCAGG[T>G]CTGTACCCACTGCCACTGAAATCTGGGTTTGCCAGCCTCCTCCATGGCCAGGCCAGGTTC-3'